The following is an entry in ClinVar:

NM_003200.5(TCF3):c.1084G>C (p.Gly362Arg)

Gene: TCF3 (transcription factor 3; minus strand). Cytogenetic location: 19p13.3.
Variant type: single nucleotide variant.
Coding change: c.1084G>C on transcript NM_003200.5 (MANE Select); coding-DNA position 1084, G replaced by C.
Protein change: p.Gly362Arg; replaces glycine 362 with arginine.
Molecular consequence: missense variant.
Genome position (GRCh38, 1-based): chr19:1,620,977, C>G on the plus strand (G>C on the coding strand, the complement: TCF3 is on the minus strand). VCF-style: chr19-1620977-C-G. GRCh37 (hg19) VCF-style: chr19-1620976-C-G.
Other names: c.1084G>C, p.Gly362Arg (NM_001136139.4, NM_001351778.2, NM_001351779.2); short protein forms G362R.
Identifiers: ClinVar variation 2999077 (VCV002999077.3), dbSNP rs2062131470, ClinGen allele CA403054059.

ClinVar aggregate classification (germline): Uncertain significance (1 of 4 stars; one submission).

Allele frequency attached by ClinVar (database versions not stated): TOPMed below 0.00001.

Submission:

Labcorp Genetics (formerly Invitae), Labcorp
Classification: Uncertain significance. Last evaluated: 2023-04-12. Review status: criteria provided, single submitter. Criteria: Invitae Variant Classification Sherloc (09022015). Collection method: clinical testing. Allele origin: germline.
Comment: This sequence change replaces glycine, which is neutral and non-polar, with arginine, which is basic and polar, at codon 362 of the TCF3 protein (p.Gly362Arg). This variant is not present in population databases (gnomAD no frequency). This variant has not been reported in the literature in individuals affected with TCF3-related conditions. Advanced modeling of protein sequence and biophysical properties (such as structural, functional, and spatial information, amino acid conservation, physicochemical variation, residue mobility, and thermodynamic stability) has been performed at Invitae for this missense variant, however the output from this modeling did not meet the statistical confidence thresholds required to predict the impact of this variant on TCF3 protein function. In summary, the available evidence is currently insufficient to determine the role of this variant in disease. Therefore, it has been classified as a Variant of Uncertain Significance.